The following is an entry in ClinVar:

NM_001144757.3(SCG5):c.539G>A (p.Arg180Gln)

Genes: ARHGAP11A-SCG5 (ARHGAP11A-SCG5 readthrough; plus strand), SCG5 (secretogranin V; plus strand). Cytogenetic location: 15q13.3.
Variant type: single nucleotide variant.
Coding change: c.539G>A on transcript NM_001144757.3 (MANE Select); coding-DNA position 539, G replaced by A.
Protein change: p.Arg180Gln; replaces arginine 180 with glutamine.
Molecular consequence: missense variant. On other transcripts: intron variant (2).
Genome position (GRCh38, 1-based): chr15:32,691,759, G>A. VCF-style: chr15-32691759-G-A. GRCh37 (hg19) VCF-style: chr15-32983960-G-A.
Other names: c.1778G>A, p.Arg593Gln (NM_001368319.1); c.536G>A, p.Arg179Gln (NM_003020.5); c.490-4755G>A (NM_001394278.1); c.487-4755G>A (NM_001394279.1); short protein forms R179Q, R593Q, R180Q.
Identifiers: ClinVar variation 4581210 (VCV004581210.2).

ClinVar aggregate classification (germline): Uncertain significance (1 of 4 stars; one submission).

gnomAD v4.1: 28 of 1,612,346 alleles (0.0017%); highest among the groups gnomAD compares: African/African-American, 0.0027%; no homozygotes.

Submission:

Ambry Genetics
Classification: Uncertain significance. Last evaluated: 2026-07-01. Review status: criteria provided, single submitter. Criteria: Ambry Variant Classification Scheme 2023. Collection method: clinical testing. Allele origin: germline.
Comment: The p.R180Q variant (also known as c.539G>A), located in coding exon 4 of the SCG5 gene, results from a G to A substitution at nucleotide position 539. The arginine at codon 180 is replaced by glutamine, an amino acid with highly similar properties. This amino acid position is conserved. In addition, this alteration is predicted to be tolerated by in silico analysis. Based on the available evidence, the clinical significance of this variant remains unclear.